The following is an entry in ClinVar:

ClinVar aggregate classification (germline): Uncertain significance. Review status: criteria provided, multiple submitters, no conflicts (2 of 4 stars). 2 submissions from 2 submitters: Uncertain significance (2). Last evaluated 2025-03-10.

Conditions:
Inborn genetic diseases. Identifiers: MedGen C0950123, MeSH D030342.

gnomAD v4.1: 15 of 1,597,754 alleles (0.00094%); highest among the groups gnomAD compares: Admixed American, 0.0034%; no homozygotes.

Submissions (2):

Ambry Genetics
Classification: Uncertain significance for Inborn genetic diseases. Last evaluated: 2025-03-10. Review status: criteria provided, single submitter. Criteria: Ambry Variant Classification Scheme 2023. Collection method: clinical testing. Allele origin: germline.
Comment: The p.P574L variant (also known as c.1721C>T), located in coding exon 7 of the SH2B3 gene, results from a C to T substitution at nucleotide position 1721. The proline at codon 574 is replaced by leucine, an amino acid with similar properties. This amino acid position is conserved. In addition, this alteration is predicted to be tolerated by in silico analysis. Based on the available evidence, the clinical significance of this variant remains unclear.

CeGaT Center for Human Genetics Tuebingen
Classification: Uncertain significance. Last evaluated: 2024-07-01. Review status: criteria provided, single submitter. Criteria: CeGaT Center For Human Genetics Tuebingen Variant Classification Criteria Version 2. Collection method: clinical testing. Allele origin: germline. Affected: yes. Observed: 1 variant allele.

NM_005475.3(SH2B3):c.1721C>T (p.Pro574Leu)

Gene: SH2B3 (SH2B adaptor protein 3; plus strand). Cytogenetic location: 12q24.12.
Variant type: single nucleotide variant.
Coding change: c.1721C>T on transcript NM_005475.3 (MANE Select); coding-DNA position 1721, C replaced by T.
Protein change: p.Pro574Leu; replaces proline 574 with leucine.
Molecular consequence: missense variant.
Genome position (GRCh38, 1-based): chr12:111,448,295, C>T. VCF-style: chr12-111448295-C-T. GRCh37 (hg19) VCF-style: chr12-111886099-C-T.
Other names: c.1115C>T, p.Pro372Leu (NM_001291424.1); short protein forms P372L, P574L.
Identifiers: ClinVar variation 3257096 (VCV003257096.18).